The following is an entry in ClinVar:

ClinVar aggregate classification (germline): Uncertain significance (1 of 4 stars; one submission).

Allele frequency attached by ClinVar (database versions not stated): gnomAD exomes below 0.00001.
gnomAD v4.1: 6 of 1,610,716 alleles (0.00037%); highest among the groups gnomAD compares: Non-Finnish European, 0.00051%; no homozygotes.

Submission:

Labcorp Genetics (formerly Invitae), Labcorp
Classification: Uncertain significance. Last evaluated: 2023-11-27. Review status: criteria provided, single submitter. Criteria: Invitae Variant Classification Sherloc (09022015). Collection method: clinical testing. Allele origin: germline.
Comment: This sequence change replaces arginine, which is basic and polar, with glutamine, which is neutral and polar, at codon 223 of the CLCN7 protein (p.Arg223Gln). This variant is not present in population databases (gnomAD no frequency). This variant has not been reported in the literature in individuals affected with CLCN7-related conditions. ClinVar contains an entry for this variant (Variation ID: 1474677). An algorithm developed to predict the effect of missense changes on protein structure and function (PolyPhen-2) suggests that this variant is likely to be disruptive. In summary, the available evidence is currently insufficient to determine the role of this variant in disease. Therefore, it has been classified as a Variant of Uncertain Significance.

NM_001287.6(CLCN7):c.668G>A (p.Arg223Gln)

Gene: CLCN7 (chloride voltage-gated channel 7; minus strand). Cytogenetic location: 16p13.3.
Variant type: single nucleotide variant.
Coding change: c.668G>A on transcript NM_001287.6 (MANE Select); coding-DNA position 668, G replaced by A.
Protein change: p.Arg223Gln; replaces arginine 223 with glutamine.
Molecular consequence: missense variant.
Genome position (GRCh38, 1-based): chr16:1,459,114, C>T on the plus strand (G>A on the coding strand, the complement: CLCN7 is on the minus strand). VCF-style: chr16-1459114-C-T. GRCh37 (hg19) VCF-style: chr16-1509115-C-T.
Other names: c.596G>A, p.Arg199Gln (NM_001114331.3); short protein forms R199Q, R223Q.
Identifiers: ClinVar variation 1474677 (VCV001474677.8), dbSNP rs2142385327, ClinGen allele CA394191869.